The following is an entry in ClinVar:

NM_020297.4(ABCC9):c.614C>T (p.Pro205Leu)

Gene: ABCC9 (ATP binding cassette subfamily C member 9; minus strand). Cytogenetic location: 12p12.1.
Variant type: single nucleotide variant.
Coding change: c.614C>T on transcript NM_020297.4 (MANE Select); coding-DNA position 614, C replaced by T.
Protein change: p.Pro205Leu; replaces proline 205 with leucine.
Molecular consequence: missense variant. On other transcripts: intron variant (1).
Genome position (GRCh38, 1-based): chr12:21,915,870, G>A on the plus strand (C>T on the coding strand, the complement: ABCC9 is on the minus strand). VCF-style: chr12-21915870-G-A. GRCh37 (hg19) VCF-style: chr12-22068804-G-A.
Other names: c.614C>T (NM_005691.2); c.614C>T, p.Pro205Leu (NM_001377273.1, NM_005691.4); c.-48-2804C>T (NM_001377274.1); short protein forms P205L.
Identifiers: ClinVar variation 439346 (VCV000439346.9), dbSNP rs1286474202, ClinGen allele CA384124789.

ClinVar aggregate classification (germline): Uncertain significance. Review status: criteria provided, multiple submitters, no conflicts (2 of 4 stars). 2 submissions from 2 submitters: Uncertain significance (2). Last evaluated 2025-07-30.

Conditions:
Cardiovascular phenotype. Identifiers: MedGen CN230736.

Allele frequency attached by ClinVar (database versions not stated): gnomAD exomes below 0.00001.
gnomAD v4.1: 3 of 1,613,366 alleles (0.00019%); highest among the groups gnomAD compares: Non-Finnish European, 0.00025%; no homozygotes.

Submissions (2):

Ambry Genetics
Classification: Uncertain significance for Cardiovascular phenotype. Last evaluated: 2025-07-30. Review status: criteria provided, single submitter. Criteria: Ambry Variant Classification Scheme 2023. Collection method: clinical testing. Allele origin: germline.
Comment: The p.P205L variant (also known as c.614C>T), located in coding exon 5 of the ABCC9 gene, results from a C to T substitution at nucleotide position 614. The proline at codon 205 is replaced by leucine, an amino acid with similar properties. This amino acid position is highly conserved in available vertebrate species. In addition, this alteration is predicted to be deleterious by in silico analysis. Based on the available evidence, the clinical significance of this variant remains unclear.

ARUP Laboratories, Molecular Genetics and Genomics, ARUP Laboratories
Classification: Uncertain significance. Last evaluated: 2016-12-27. Review status: criteria provided, single submitter. Criteria: ARUP Molecular Germline Variant Investigation Process. Collection method: clinical testing. Allele origin: germline.